The following is an entry in ClinVar:

NM_000090.4(COL3A1):c.2337+2T>C

Gene: COL3A1 (collagen type III alpha 1 chain; plus strand). Cytogenetic location: 2q32.2.
Variant type: single nucleotide variant.
Coding change: c.2337+2T>C on transcript NM_000090.4 (MANE Select); the canonical splice donor site of the intron after coding-DNA position 2337, T replaced by C.
Molecular consequence: splice donor variant.
Genome position (GRCh38, 1-based): chr2:189,001,452, T>C. VCF-style: chr2-189001452-T-C. GRCh37 (hg19) VCF-style: chr2-189866178-T-C.
Identifiers: ClinVar variation 101213 (VCV000101213.7), dbSNP rs587779513, ClinGen allele CA005327.

ClinVar aggregate classification (germline): Pathogenic. Review status: criteria provided, single submitter (1 of 4 stars). 2 submissions from 2 submitters: Pathogenic (1). 1 of the submissions does not count toward it. Last evaluated 2022-06-18.

Conditions:
Ehlers-Danlos syndrome, type 4 (EDSVASC). Also called: Ehlers-Danlos syndrome vascular type; Ehlers Danlos syndrome, ecchymotic type; Ehlers Danlos syndrome, arterial type; Ehlers Danlos syndrome, Sack-Barabas type; Ehlers-Danlos Syndrome Type IV. Identifiers: Orphanet 286, MedGen C0268338, MONDO:0017314, OMIM 130050.

Submissions (2):

Labcorp Genetics (formerly Invitae), Labcorp
Classification: Pathogenic for Ehlers-Danlos syndrome, type 4. Last evaluated: 2022-06-18. Review status: criteria provided, single submitter. Criteria: Invitae Variant Classification Sherloc (09022015). Collection method: clinical testing. Allele origin: germline.
Comment: For these reasons, this variant has been classified as Pathogenic. Algorithms developed to predict the effect of sequence changes on RNA splicing suggest that this variant may disrupt the consensus splice site. ClinVar contains an entry for this variant (Variation ID: 101213). This variant is also known as IVS34+2T>C. Disruption of this splice site has been observed in individual(s) with vascular Ehlers-Danlos syndrome (EDS, type 4) (PMID: 9399899, 31600821). This variant is not present in population databases (gnomAD no frequency). This sequence change affects a donor splice site in intron 33 of the COL3A1 gene. It is expected to disrupt RNA splicing. Variants that disrupt the donor or acceptor splice site typically lead to a loss of protein function (PMID: 16199547), and loss-of-function variants in COL3A1 are known to be pathogenic (PMID: 24922459).

Collagen Diagnostic Laboratory, University of Washington
Classification: Pathogenic for Ehlers-Danlos syndrome, type 4. Review status: no assertion criteria provided. Collection method: clinical testing. Allele origin: germline. Affected: yes. Not counted in ClinVar's aggregate classification.

Literature cited by the submitters: PubMed 9399899 (cited by Labcorp Genetics (formerly Invitae), Labcorp and Collagen Diagnostic Laboratory, University of Washington); PubMed 31600821 (cited by Labcorp Genetics (formerly Invitae), Labcorp); PubMed 16199547 (cited by Labcorp Genetics (formerly Invitae), Labcorp); PubMed 24922459 (cited by Labcorp Genetics (formerly Invitae), Labcorp); PubMed 10706896 (cited by Collagen Diagnostic Laboratory, University of Washington); PubMed 9036918 (cited by Collagen Diagnostic Laboratory, University of Washington).